The following is an entry in ClinVar:

ClinVar aggregate classification (germline): Uncertain significance. Review status: criteria provided, multiple submitters, no conflicts (2 of 4 stars). 2 submissions from 2 submitters: Uncertain significance (2). Last evaluated 2025-10-24.

gnomAD v4.1: 7 of 1,613,966 alleles (0.00043%); highest among the groups gnomAD compares: African/African-American, 0.0013%; no homozygotes.

Submissions (2):

Labcorp Genetics (formerly Invitae), Labcorp
Classification: Uncertain significance. Last evaluated: 2025-10-24. Review status: criteria provided, single submitter. Criteria: Invitae Variant Classification Sherloc (09022015). Collection method: clinical testing. Allele origin: germline.
Comment: This sequence change replaces valine, which is neutral and non-polar, with leucine, which is neutral and non-polar, at codon 160 of the PITPNM3 protein (p.Val160Leu). This variant is not present in population databases (gnomAD no frequency). This variant has not been reported in the literature in individuals affected with PITPNM3-related conditions. Invitae Evidence Modeling of protein sequence and biophysical properties (such as structural, functional, and spatial information, amino acid conservation, physicochemical variation, residue mobility, and thermodynamic stability) indicates that this missense variant is not expected to disrupt PITPNM3 protein function with a negative predictive value of 80%. In summary, the available evidence is currently insufficient to determine the role of this variant in disease. Therefore, it has been classified as a Variant of Uncertain Significance.

Blueprint Genetics
Classification: Uncertain significance. Last evaluated: 2022-09-27. Review status: criteria provided, single submitter. Criteria: ACMG Guidelines, 2015. Collection method: clinical testing. Allele origin: germline.

NM_031220.4(PITPNM3):c.478G>T (p.Val160Leu)

Gene: PITPNM3 (PITPNM family member 3; minus strand). Cytogenetic location: 17p13.2.
Variant type: single nucleotide variant.
Coding change: c.478G>T on transcript NM_031220.4 (MANE Select); coding-DNA position 478, G replaced by T.
Protein change: p.Val160Leu; replaces valine 160 with leucine.
Molecular consequence: missense variant.
Genome position (GRCh38, 1-based): chr17:6,483,626, C>A on the plus strand (G>T on the coding strand, the complement: PITPNM3 is on the minus strand). VCF-style: chr17-6483626-C-A. GRCh37 (hg19) VCF-style: chr17-6386946-C-A.
Other names: c.370G>T, p.Val124Leu (NM_001165966.2); short protein forms V124L, V160L.
Identifiers: ClinVar variation 4697419 (VCV004697419.2).
Genomic context (GRCh38, chr17:6,483,626, plus strand): 5'-ACTTGATGAGGATGTGGCCCAGGGCAGCAGGGAAATGGGCTCGTGTGACCTTCTCCAGCA[C>A]GGAGCTGAAGGTGTGGATGTCGGCTGCCTTGCAGGACGGGTCCCCGGCACCCGTGTCCAG-3'
Protein context (NP_112497.2, residues 150-170): KAADIHTFSS[Val160Leu]LEKVTRAHFP